The following is an entry in ClinVar:

ClinVar aggregate classification (germline): Uncertain significance (1 of 4 stars; one submission).

Conditions:
Granulomatous disease, chronic, autosomal recessive, cytochrome b-positive, type 3. Also called: GRANULOMATOUS DISEASE, CHRONIC, DUE TO NCF4 DEFICIENCY; CGD, AUTOSOMAL RECESSIVE CYTOCHROME b-POSITIVE, TYPE III; Granulomatous disease, chronic, autosomal recessive, cytochrome b-positive, type III; GRANULOMATOUS DISEASE, CHRONIC, AUTOSOMAL RECESSIVE, 3. Identifiers: Orphanet 379, MedGen C3151409, MONDO:0013507, OMIM 613960.

Allele frequency attached by ClinVar (database versions not stated): gnomAD 0.00001; gnomAD exomes 0.00002; TOPMed 0.00003.
gnomAD v4.1: 14 of 1,551,368 alleles (0.0009%); highest among the groups gnomAD compares: Admixed American, 0.002%; no homozygotes.

Submission:

Labcorp Genetics (formerly Invitae), Labcorp
Classification: Uncertain significance for Granulomatous disease, chronic, autosomal recessive, cytochrome b-positive, type 3. Last evaluated: 2024-10-29. Review status: criteria provided, single submitter. Criteria: Invitae Variant Classification Sherloc (09022015). Collection method: clinical testing. Allele origin: germline.
Comment: This sequence change replaces arginine, which is basic and polar, with tryptophan, which is neutral and slightly polar, at codon 8 of the NCF4 protein (p.Arg8Trp). The frequency data for this variant in the population databases is considered unreliable, as metrics indicate poor data quality at this position in the gnomAD database. This variant has not been reported in the literature in individuals affected with NCF4-related conditions. ClinVar contains an entry for this variant (Variation ID: 1064300). An algorithm developed to predict the effect of missense changes on protein structure and function (PolyPhen-2) suggests that this variant is likely to be disruptive. In summary, the available evidence is currently insufficient to determine the role of this variant in disease. Therefore, it has been classified as a Variant of Uncertain Significance.

NM_000631.5(NCF4):c.22C>T (p.Arg8Trp)

Genes: NCF4 (neutrophil cytosolic factor 4; plus strand), NCF4-AS1 (NCF4 antisense RNA 1; minus strand). Cytogenetic location: 22q12.3.
Variant type: single nucleotide variant.
Coding change: c.22C>T on transcript NM_000631.5 (MANE Select); coding-DNA position 22, C replaced by T.
Protein change: p.Arg8Trp; replaces arginine 8 with tryptophan.
Molecular consequence: missense variant.
Genome position (GRCh38, 1-based): chr22:36,861,193, C>T. VCF-style: chr22-36861193-C-T. GRCh37 (hg19) VCF-style: chr22-37257235-C-T.
Other names: c.22C>T, p.Arg8Trp (NM_013416.4); short protein forms R8W.
Identifiers: ClinVar variation 1064300 (VCV001064300.9), dbSNP rs1488661755, ClinGen allele CA411374730.